The following is an entry in ClinVar:

NM_004656.4(BAP1):c.848A>T (p.Glu283Val)

Gene: BAP1 (BRCA1 associated deubiquitinase 1; minus strand). Cytogenetic location: 3p21.1.
Variant type: single nucleotide variant.
Coding change: c.848A>T on transcript NM_004656.4 (MANE Select); coding-DNA position 848, A replaced by T.
Protein change: p.Glu283Val; replaces glutamic acid 283 with valine.
Molecular consequence: missense variant.
Genome position (GRCh38, 1-based): chr3:52,405,848, T>A on the plus strand (A>T on the coding strand, the complement: BAP1 is on the minus strand). VCF-style: chr3-52405848-T-A. GRCh37 (hg19) VCF-style: chr3-52439864-T-A.
Other names: c.848A>T (NM_004656.2); short protein forms E283V.
Identifiers: ClinVar variation 1474862 (VCV001474862.7), dbSNP rs2153227253, ClinGen allele CA353106767.

ClinVar aggregate classification (germline): Uncertain significance. Review status: criteria provided, multiple submitters, no conflicts (2 of 4 stars). 2 submissions from 2 submitters: Uncertain significance (2). Last evaluated 2026-09-12.

Conditions:
Hereditary cancer-predisposing syndrome. Also called: Hereditary Cancer Syndrome; Tumor predisposition; Neoplastic Syndromes, Hereditary; Hereditary neoplastic syndrome. Identifiers: Orphanet 140162, MedGen C0027672, MeSH D009386, MONDO:0015356.
BAP1-related tumor predisposition syndrome (TPDS1). Also called: COMMON Syndrome; TUMOR PREDISPOSITION SYNDROME 1; BAP1 tumor predisposition syndrome; Tumor susceptibility linked to germline BAP1 mutations. Identifiers: Orphanet 289539, MedGen C3280492, MONDO:0013692, OMIM 614327.

Submissions (2):

Ambry Genetics
Classification: Uncertain significance for Hereditary cancer-predisposing syndrome. Last evaluated: 2026-09-12. Review status: criteria provided, single submitter. Criteria: Ambry Variant Classification Scheme 2023. Collection method: clinical testing. Allele origin: germline.
Comment: The p.E283V variant (also known as c.848A>T), located in coding exon 10 of the BAP1 gene, results from an A to T substitution at nucleotide position 848. The glutamic acid at codon 283 is replaced by valine, an amino acid with dissimilar properties. This amino acid position is conserved. In addition, the in silico prediction for this alteration is inconclusive. Based on the available evidence, the clinical significance of this variant remains unclear.

Labcorp Genetics (formerly Invitae), Labcorp
Classification: Uncertain significance for BAP1-related tumor predisposition syndrome. Last evaluated: 2021-08-13. Review status: criteria provided, single submitter. Criteria: Invitae Variant Classification Sherloc (09022015). Collection method: clinical testing. Allele origin: germline.
Comment: Algorithms developed to predict the effect of missense changes on protein structure and function are either unavailable or do not agree on the potential impact of this missense change (SIFT: "Deleterious"; PolyPhen-2: "Possibly Damaging"; Align-GVGD: "Class C0"). In summary, the available evidence is currently insufficient to determine the role of this variant in disease. Therefore, it has been classified as a Variant of Uncertain Significance. This variant has not been reported in the literature in individuals affected with BAP1-related conditions. This variant is not present in population databases (ExAC no frequency). This sequence change replaces glutamic acid with valine at codon 283 of the BAP1 protein (p.Glu283Val). The glutamic acid residue is moderately conserved and there is a moderate physicochemical difference between glutamic acid and valine.